The following is an entry in ClinVar:

ClinVar aggregate classification (germline): Uncertain significance (1 of 4 stars; one submission).

Conditions:
Walker-Warburg congenital muscular dystrophy. Also called: Muscular dystrophy-dystroglycanopathy, type A; Walker-Warburg syndrome. Identifiers: Orphanet 899, MedGen C0265221, MONDO:0000171.
Autosomal recessive limb-girdle muscular dystrophy type 2K. Also called: MUSCULAR DYSTROPHY, LIMB-GIRDLE, TYPE 2K; MUSCULAR DYSTROPHY-DYSTROGLYCANOPATHY (LIMB-GIRDLE), TYPE C, 1. Identifiers: Orphanet 86812, MedGen C1836373, MONDO:0012248, OMIM 609308.
Muscular dystrophy-dystroglycanopathy (congenital with impaired intellectual development), type B, 1. Also called: MUSCULAR DYSTROPHY, CONGENITAL, POMT1-RELATED; Muscular dystrophy-dystroglycanopathy (congenital with intellectual disability), type B1. Identifiers: MedGen C5436962, MONDO:0013159, OMIM 613155.

Allele frequency attached by ClinVar (database versions not stated): TOPMed 0.00001; gnomAD 0.00001; gnomAD exomes below 0.00001.

Submission:

Labcorp Genetics (formerly Invitae), Labcorp
Classification: Uncertain significance for Muscular dystrophy-dystroglycanopathy (congenital with impaired intellectual development), type B, 1; Walker-Warburg congenital muscular dystrophy; Autosomal recessive limb-girdle muscular dystrophy type 2K. Last evaluated: 2022-06-04. Review status: criteria provided, single submitter. Criteria: Invitae Variant Classification Sherloc (09022015). Collection method: clinical testing. Allele origin: germline.
Comment: In summary, the available evidence is currently insufficient to determine the role of this variant in disease. Therefore, it has been classified as a Variant of Uncertain Significance. Algorithms developed to predict the effect of missense changes on protein structure and function (SIFT, PolyPhen-2, Align-GVGD) all suggest that this variant is likely to be disruptive. ClinVar contains an entry for this variant (Variation ID: 858304). This variant has not been reported in the literature in individuals affected with POMT1-related conditions. This variant is present in population databases (no rsID available, gnomAD 0.007%). This sequence change replaces lysine, which is basic and polar, with asparagine, which is neutral and polar, at codon 172 of the POMT1 protein (p.Lys172Asn).

NM_001077365.2(POMT1):c.516G>T (p.Lys172Asn)

Gene: POMT1 (protein O-mannosyltransferase 1; plus strand). Cytogenetic location: 9q34.13.
Variant type: single nucleotide variant.
Coding change: c.516G>T on transcript NM_001077365.2 (MANE Select); coding-DNA position 516, G replaced by T.
Protein change: p.Lys172Asn; replaces lysine 172 with asparagine.
Molecular consequence: missense variant. On other transcripts: non-coding transcript variant (8).
Genome position (GRCh38, 1-based): chr9:131,508,999, G>T. VCF-style: chr9-131508999-G-T. GRCh37 (hg19) VCF-style: chr9-134384386-G-T.
Other names: c.354G>T, p.Lys118Asn (NM_001077366.2, NM_001353194.2, NM_001353197.2 and 3 more transcripts); c.516G>T, p.Lys172Asn (NM_001136113.2, NM_001353193.2, NM_001374690.1 and 1 more transcripts); c.165G>T, p.Lys55Asn (NM_001136114.2, NM_001353195.2, NM_001353199.2 and 2 more transcripts); c.426G>T, p.Lys142Asn (NM_001353196.2); c.60G>T, p.Lys20Asn (NM_001353200.2, NM_001374695.1); short protein forms K118N, K142N, K172N, K20N, K55N.
Identifiers: ClinVar variation 858304 (VCV000858304.9), dbSNP rs1439661209, ClinGen allele CA375307053.